The following is an entry in ClinVar:

NM_006516.4(SLC2A1):c.52G>A (p.Gly18Arg)

Gene: SLC2A1 (solute carrier family 2 member 1; minus strand). Cytogenetic location: 1p34.2.
Variant type: single nucleotide variant.
Coding change: c.52G>A on transcript NM_006516.4 (MANE Select); coding-DNA position 52, G replaced by A.
Protein change: p.Gly18Arg; replaces glycine 18 with arginine.
Molecular consequence: missense variant.
Genome position (GRCh38, 1-based): chr1:42,943,288, C>T on the plus strand (G>A on the coding strand, the complement: SLC2A1 is on the minus strand). VCF-style: chr1-42943288-C-T. GRCh37 (hg19) VCF-style: chr1-43408959-C-T.
Other names: short protein forms G18R.
Identifiers: ClinVar variation 2704118 (VCV002704118.4), dbSNP rs1322852314, ClinGen allele CA339964857.

ClinVar aggregate classification (germline): Conflicting classifications of pathogenicity. Review status: criteria provided, conflicting classifications (1 of 4 stars). 2 submissions from 2 submitters: Likely pathogenic (1); Uncertain significance (1). Last evaluated 2023-12-19.

Conditions:
SLC2A1-related disorder. Also called: SLC2A1-related disorders; SLC2A1-related condition.
GLUT1 deficiency syndrome 1, autosomal recessive. Identifiers: MedGen C3149117.

Submissions (2):

Labcorp Genetics (formerly Invitae), Labcorp
Classification: Uncertain significance for GLUT1 deficiency syndrome 1, autosomal recessive. Last evaluated: 2023-12-19. Review status: criteria provided, single submitter. Criteria: Invitae Variant Classification Sherloc (09022015). Collection method: clinical testing. Allele origin: germline.
Comment: This sequence change replaces glycine, which is neutral and non-polar, with arginine, which is basic and polar, at codon 18 of the SLC2A1 protein (p.Gly18Arg). This variant is not present in population databases (gnomAD no frequency). This missense change has been observed in individual(s) with clinical features of GLUT1-deficiency (PMID: 24824604, 28556183). Advanced modeling of protein sequence and biophysical properties (such as structural, functional, and spatial information, amino acid conservation, physicochemical variation, residue mobility, and thermodynamic stability) has been performed at Invitae for this missense variant, however the output from this modeling did not meet the statistical confidence thresholds required to predict the impact of this variant on SLC2A1 protein function. In summary, the available evidence is currently insufficient to determine the role of this variant in disease. Therefore, it has been classified as a Variant of Uncertain Significance.

Blueprint Genetics
Classification: Likely pathogenic for SLC2A1-related disorders. Last evaluated: 2023-05-15. Review status: criteria provided, single submitter. Criteria: ACMG Guidelines, 2015. Collection method: clinical testing. Allele origin: germline. Affected: yes. Observed: 1 variant allele.

Literature cited by the submitters: PubMed 24824604 (cited by Labcorp Genetics (formerly Invitae), Labcorp); PubMed 28556183 (cited by Labcorp Genetics (formerly Invitae), Labcorp).